The following is an entry in ClinVar:

ClinVar aggregate classification (germline): Likely benign (0 of 4 stars; one submission).

Conditions:
SEMA3G-related disorder. Also called: SEMA3G-related condition.

Allele frequency attached by ClinVar (database versions not stated): gnomAD exomes 0.00010; ExAC 0.00029; 1000 Genomes Project 0.00080; 1000 Genomes Project 30x 0.00109; gnomAD 0.00127; TOPMed 0.00131; ESP Exome Variant Server 0.00177.
gnomAD v4.1: 345 of 1,613,934 alleles (0.021%); highest among the groups gnomAD compares: African/African-American, 0.4%; 1 homozygote.

Submission:

PreventionGenetics, part of Exact Sciences
Classification: Likely benign for SEMA3G-related condition. Last evaluated: 2022-05-13. Review status: no assertion criteria provided. Collection method: clinical testing. Allele origin: germline.
Comment: This variant is classified as likely benign based on ACMG/AMP sequence variant interpretation guidelines (Richards et al. 2015 PMID: 25741868, with internal and published modifications).

NM_020163.3(SEMA3G):c.1965C>A (p.Cys655Ter)

Gene: SEMA3G (semaphorin 3G; minus strand). Cytogenetic location: 3p21.1.
Variant type: single nucleotide variant.
Coding change: c.1965C>A on transcript NM_020163.3 (MANE Select); coding-DNA position 1965, C replaced by A.
Protein change: p.Cys655Ter; replaces cysteine 655 with a stop codon.
Molecular consequence: nonsense.
Genome position (GRCh38, 1-based): chr3:52,435,987, G>T on the plus strand (C>A on the coding strand, the complement: SEMA3G is on the minus strand). VCF-style: chr3-52435987-G-T. GRCh37 (hg19) VCF-style: chr3-52470003-G-T.
Other names: short protein forms C655*.
Identifiers: ClinVar variation 3051367 (VCV003051367.2), dbSNP rs139348169, ClinGen allele CA2437742.
Genomic context (GRCh38, chr3:52,435,987, plus strand): 5'-CACAATCACCACCAGAGCCAGGCGGACCACAGTCTGGGAGAAGCCATGCTCCAGAGTGGT[G>T]CAGGTGTAGGTGCCCGCATCGAAACGGCTAAGCCTGCGGAACAGCAGCCCCCGCTCCGTG-3'